The following is an entry in ClinVar:

ClinVar aggregate classification (germline): Uncertain significance (1 of 4 stars; one submission).

gnomAD v4.1: 2 of 1,614,130 alleles (0.00012%); highest among the groups gnomAD compares: Non-Finnish European, 0.00017%; no homozygotes.

Submission:

GeneDx
Classification: Uncertain significance. Last evaluated: 2025-03-04. Review status: criteria provided, single submitter. Criteria: GeneDx Variant Classification Process June 2021. Collection method: clinical testing. Allele origin: germline. Affected: yes.
Comment: Not observed at significant frequency in large population cohorts (gnomAD); In silico analysis supports a deleterious effect on splicing; Has not been previously published as pathogenic or benign to our knowledge

NM_025150.5(TARS2):c.387+3A>C

Gene: TARS2 (threonyl-tRNA synthetase 2, mitochondrial; plus strand). Cytogenetic location: 1q21.2.
Variant type: single nucleotide variant.
Coding change: c.387+3A>C on transcript NM_025150.5 (MANE Select); 3 bases into the intron after coding-DNA position 387, A replaced by C.
Molecular consequence: intron variant.
Genome position (GRCh38, 1-based): chr1:150,489,090, A>C. VCF-style: chr1-150489090-A-C. GRCh37 (hg19) VCF-style: chr1-150461566-A-C.
Other names: c.387+3A>C (NM_001271895.2, NM_001271896.2).
Identifiers: ClinVar variation 4082695 (VCV004082695.1).